The following is an entry in ClinVar:

ClinVar aggregate classification (germline): Pathogenic (1 of 4 stars; one submission).

Submission:

Labcorp Genetics (formerly Invitae), Labcorp
Classification: Pathogenic. Last evaluated: 2024-01-24. Review status: criteria provided, single submitter. Criteria: Invitae Variant Classification Sherloc (09022015). Collection method: clinical testing. Allele origin: germline.
Comment: This sequence change creates a premature translational stop signal (p.Ser312*) in the TBX20 gene. It is expected to result in an absent or disrupted protein product. Loss-of-function variants in TBX20 are known to be pathogenic (PMID: 15901664, 25625280, 26118961, 27510170). This variant is not present in population databases (gnomAD no frequency). This variant has not been reported in the literature in individuals affected with TBX20-related conditions. ClinVar contains an entry for this variant (Variation ID: 1350837). For these reasons, this variant has been classified as Pathogenic.

Literature cited by the submitters: PubMed 15901664; PubMed 25625280; PubMed 26118961; PubMed 27510170.

NM_001077653.2(TBX20):c.935C>A (p.Ser312Ter)

Gene: TBX20 (T-box transcription factor 20; minus strand). Cytogenetic location: 7p14.2.
Variant type: single nucleotide variant.
Coding change: c.935C>A on transcript NM_001077653.2 (MANE Select); coding-DNA position 935, C replaced by A.
Protein change: p.Ser312Ter; replaces serine 312 with a stop codon.
Molecular consequence: nonsense.
Genome position (GRCh38, 1-based): chr7:35,204,538, G>T on the plus strand (C>A on the coding strand, the complement: TBX20 is on the minus strand). VCF-style: chr7-35204538-G-T. GRCh37 (hg19) VCF-style: chr7-35244150-G-T.
Other names: short protein forms S312*.
Identifiers: ClinVar variation 1350837 (VCV001350837.6), dbSNP rs2128709746, ClinGen allele CA367263577.